The following is an entry in ClinVar:

ClinVar aggregate classification (germline): Conflicting classifications of pathogenicity. Review status: criteria provided, conflicting classifications (1 of 4 stars). 2 submissions from 2 submitters: Uncertain significance (1); Likely benign (1). Last evaluated 2025-06-09.

Conditions:
Hereditary cancer-predisposing syndrome. Also called: Hereditary Cancer Syndrome; Tumor predisposition; Hereditary neoplastic syndrome; Neoplastic Syndromes, Hereditary. Identifiers: Orphanet 140162, MedGen C0027672, MeSH D009386, MONDO:0015356.
Hereditary breast ovarian cancer syndrome. Also called: Hereditary breast and/or ovarian cancer syndrome; Hereditary breast and ovarian cancer syndrome; Hereditary breast and ovarian cancer syndrome (HBOC); Breast and ovarian cancer; Hereditary breast and ovarian cancer; BRCA1- and BRCA2-Associated Hereditary Breast and Ovarian Cancer. Identifiers: Orphanet 145, MedGen C0677776, MeSH D061325, MONDO:0003582. Disease mechanism: loss of function.

Submissions (2):

Labcorp Genetics (formerly Invitae), Labcorp
Classification: Uncertain significance for Hereditary breast ovarian cancer syndrome. Last evaluated: 2025-06-09. Review status: criteria provided, single submitter. Criteria: Invitae Variant Classification Sherloc (09022015). Collection method: clinical testing. Allele origin: germline.
Comment: This sequence change replaces arginine, which is basic and polar, with glycine, which is neutral and non-polar, at codon 1160 of the BRCA2 protein (p.Arg1160Gly). This variant is not present in population databases (gnomAD no frequency). This variant has not been reported in the literature in individuals affected with BRCA2-related conditions. ClinVar contains an entry for this variant (Variation ID: 1047706). Invitae Evidence Modeling of protein sequence and biophysical properties (such as structural, functional, and spatial information, amino acid conservation, physicochemical variation, residue mobility, and thermodynamic stability) indicates that this missense variant is not expected to disrupt BRCA2 protein function with a negative predictive value of 95%. In summary, the available evidence is currently insufficient to determine the role of this variant in disease. Therefore, it has been classified as a Variant of Uncertain Significance.

University of Washington Department of Laboratory Medicine, University of Washington
Classification: Likely benign for Hereditary cancer-predisposing syndrome. Last evaluated: 2023-03-23. Review status: criteria provided, single submitter. Criteria: Dines et al. (Genet Med. 2020). Collection method: curation. Allele origin: germline.
Comment: Missense variant in a coldspot region where missense variants are very unlikely to be pathogenic (PMID:31911673).

BRCA2 exon 11 coldspot. Reclassification based on statistical prior probability.

NM_000059.4(BRCA2):c.3478A>G (p.Arg1160Gly)

Gene: BRCA2 (BRCA2 DNA repair associated; plus strand). Cytogenetic location: 13q13.1.
Variant type: single nucleotide variant.
Coding change: c.3478A>G on transcript NM_000059.4 (MANE Select); coding-DNA position 3478, A replaced by G.
Protein change: p.Arg1160Gly; replaces arginine 1160 with glycine.
Molecular consequence: missense variant.
Genome position (GRCh38, 1-based): chr13:32,337,833, A>G. VCF-style: chr13-32337833-A-G. GRCh37 (hg19) VCF-style: chr13-32911970-A-G.
Other names: short protein forms R1160G.
Identifiers: ClinVar variation 1047706 (VCV001047706.14), dbSNP rs2072481649, ClinGen allele CA387776837.